The following is an entry in ClinVar:

ClinVar aggregate classification (germline): Pathogenic. Review status: criteria provided, multiple submitters, no conflicts (2 of 4 stars). 3 submissions from 3 submitters: Pathogenic (3). Last evaluated 2026-08-18.

Conditions:
Cardiovascular phenotype. Identifiers: MedGen CN230736.
Hereditary cancer-predisposing syndrome. Also called: Neoplastic Syndromes, Hereditary; Tumor predisposition; Hereditary neoplastic syndrome; Hereditary Cancer Syndrome. Identifiers: Orphanet 140162, MedGen C0027672, MeSH D009386, MONDO:0015356.

Allele frequency attached by ClinVar (database versions not stated): TOPMed below 0.00001; gnomAD 0.00001; ExAC 0.00002.
gnomAD v4.1: 3 of 1,586,518 alleles (0.00019%); highest among the groups gnomAD compares: African/African-American, 0.0013%; no homozygotes.

Submissions (3):

GeneDx
Classification: Pathogenic. Last evaluated: 2026-08-18. Review status: criteria provided, single submitter. Criteria: GeneDx Variant Classification Process June 2021. Collection method: clinical testing. Allele origin: germline.
Comment: Nonsense variant predicted to result in protein truncation or nonsense mediated decay in a gene for which loss of function is a known mechanism of disease; Not observed at significant frequency in large population cohorts (gnomAD); Identified in the heterozygous state in patients with with multiple cafe au liat macules, short stature, and some facial features of Noonan syndrome in published literature (PMID: 39140257); This variant is associated with the following publications: (PMID: 28295212, 41522855, 39140257)

Labcorp Genetics (formerly Invitae), Labcorp
Classification: Pathogenic. Last evaluated: 2024-04-04. Review status: criteria provided, single submitter. Criteria: Invitae Variant Classification Sherloc (09022015). Collection method: clinical testing. Allele origin: germline.
Comment: This sequence change creates a premature translational stop signal (p.Trp265*) in the LZTR1 gene. It is expected to result in an absent or disrupted protein product. Loss-of-function variants in LZTR1 are known to be pathogenic (PMID: 24362817, 25335493, 25480913, 25795793, 29469822, 30368668, 30442762, 30442766, 30481304, 30859559). The frequency data for this variant in the population databases is considered unreliable, as metrics indicate poor data quality at this position in the gnomAD database. This variant has not been reported in the literature in individuals affected with LZTR1-related conditions. ClinVar contains an entry for this variant (Variation ID: 1761353). Algorithms developed to predict the effect of sequence changes on RNA splicing suggest that this variant may create or strengthen a splice site. For these reasons, this variant has been classified as Pathogenic.

Ambry Genetics
Classification: Pathogenic for Cardiovascular phenotype; Hereditary cancer-predisposing syndrome. Last evaluated: 2023-07-11. Review status: criteria provided, single submitter. Criteria: Ambry Variant Classification Scheme 2023. Collection method: clinical testing. Allele origin: germline.
Comment: The p.W265* pathogenic mutation (also known as c.794G>A), located in coding exon 9 of the LZTR1 gene, results from a G to A substitution at nucleotide position 794. This changes the amino acid from a tryptophan to a stop codon within coding exon 9. Loss-of-function variants in LZTR1 are related to an increased risk for schwannomas and autosomal recessive Noonan syndrome; however, such associations with autosomal dominant Noonan syndrome have not been observed (Piotrowski A et al. Nat Genet. 2014 Feb;46:182-7; Yamamoto GL et al. J Med Genet. 2015 Jun;52:413-21; Johnston JJ et al. Genet Med. 2018 10;20:1175-1185). Based on the supporting evidence, this variant is pathogenic for an increased risk of LZTR1-related schwannomatosis (SWN) and would be expected to cause autosomal recessive Noonan syndrome when present along with a second pathogenic or likely pathogenic variant on the other allele; however, the association of this alteration with autosomal dominant Noonan syndrome is unlikely.

Literature cited by the submitters: PubMed 24362817 (cited by Labcorp Genetics (formerly Invitae), Labcorp); PubMed 25335493 (cited by Labcorp Genetics (formerly Invitae), Labcorp); PubMed 25480913 (cited by Labcorp Genetics (formerly Invitae), Labcorp); PubMed 25795793 (cited by Labcorp Genetics (formerly Invitae), Labcorp); PubMed 29469822 (cited by Labcorp Genetics (formerly Invitae), Labcorp); PubMed 30368668 (cited by Labcorp Genetics (formerly Invitae), Labcorp); PubMed 30442762 (cited by Labcorp Genetics (formerly Invitae), Labcorp); PubMed 30442766 (cited by Labcorp Genetics (formerly Invitae), Labcorp); PubMed 30481304 (cited by Labcorp Genetics (formerly Invitae), Labcorp); PubMed 30859559 (cited by Labcorp Genetics (formerly Invitae), Labcorp).

NM_006767.4(LZTR1):c.794G>A (p.Trp265Ter)

Gene: LZTR1 (leucine zipper like post translational regulator 1; plus strand). Cytogenetic location: 22q11.21.
Variant type: single nucleotide variant.
Coding change: c.794G>A on transcript NM_006767.4 (MANE Select); coding-DNA position 794, G replaced by A.
Protein change: p.Trp265Ter; replaces tryptophan 265 with a stop codon.
Molecular consequence: nonsense.
Genome position (GRCh38, 1-based): chr22:20,991,630, G>A. VCF-style: chr22-20991630-G-A. GRCh37 (hg19) VCF-style: chr22-21345919-G-A.
Other names: short protein forms W265*.
Identifiers: ClinVar variation 1761353 (VCV001761353.9), dbSNP rs546713633, ClinGen allele CA10118640.